The following is an entry in ClinVar:

NM_000518.5(HBB):c.70G>A (p.Val24Ile)

Genes: HBB (hemoglobin subunit beta; minus strand), LOC106099062 (HBB recombination region; plus strand), LOC107133510 (origin of replication at HBB; plus strand). Cytogenetic location: 11p15.4.
Variant type: single nucleotide variant.
Coding change: c.70G>A on transcript NM_000518.5 (MANE Select); coding-DNA position 70, G replaced by A.
Protein change: p.Val24Ile; replaces valine 24 with isoleucine.
Molecular consequence: missense variant.
Genome position (GRCh38, 1-based): chr11:5,226,952, C>T on the plus strand (G>A on the coding strand, the complement: HBB is on the minus strand). VCF-style: chr11-5226952-C-T. GRCh37 (hg19) VCF-style: chr11-5248182-C-T.
Other names: V23I; short protein forms V24I.
Identifiers: ClinVar variation 478897 (VCV000478897.4), dbSNP rs33929459, ClinGen allele CA037454.

ClinVar aggregate classification (germline): Uncertain significance. Review status: criteria provided, single submitter (1 of 4 stars). 2 submissions from 2 submitters: Uncertain significance (1). 1 of the submissions does not count toward it. Last evaluated 2024-03-14.

Conditions:
Hemoglobinopathy. Also called: Haemoglobinopathies; Hemoglobin disorder. Identifiers: MedGen C0019045, MONDO:0044348.

Submissions (2):

Quest Diagnostics Nichols Institute San Juan Capistrano
Classification: Uncertain significance. Last evaluated: 2024-03-14. Review status: criteria provided, single submitter. Criteria: Quest Diagnostics criteria. Collection method: clinical testing. Allele origin: unknown.
Comment: The HBB c.70G>A (p.Val24Ile) variant has been reported in the published literature in individuals affected with beta thalassemia (PMID: 31714438 (2020)), however, the available information is limited. This variant is reported to have normal stability (HbVar). This variant has not been reported in large, multi-ethnic general populations (Genome Aggregation Database). Analysis of this variant using bioinformatics tools for the prediction of the effect of amino acid changes on protein structure and function yielded conflicting predictions that this variant is deleterious or benign. Based on the available information, we are unable to determine the clinical significance of this variant.

College of Science, Al Muthanna University, Al Muthanna University
Classification: Pathogenic for Hemoglobinopathy. Last evaluated: 2018-01-01. Review status: no assertion criteria provided. Collection method: research. Allele origin: germline. Affected: yes. Not counted in ClinVar's aggregate classification.

Literature cited by the submitters: PubMed 31714438 (cited by Quest Diagnostics Nichols Institute San Juan Capistrano and College of Science, Al Muthanna University, Al Muthanna University); PubMed 3467311 (cited by Quest Diagnostics Nichols Institute San Juan Capistrano); PubMed 8408017 (cited by Quest Diagnostics Nichols Institute San Juan Capistrano); PubMed 18157833 (cited by Quest Diagnostics Nichols Institute San Juan Capistrano); PubMed 24200101 (cited by Quest Diagnostics Nichols Institute San Juan Capistrano).